The following is an entry in ClinVar:

NM_007294.4(BRCA1):c.81-18_81-17delinsA

Gene: BRCA1 (BRCA1 DNA repair associated; minus strand). Cytogenetic location: 17q21.31.
Variant type: Indel.
Coding change: c.81-18_81-17delinsA on transcript NM_007294.4 (MANE Select); 18 bases into the intron before coding-DNA position 81 through 17 bases into the intron before coding-DNA position 81, CC replaced by A.
Molecular consequence: intron variant.
Genome position (GRCh38, 1-based): chr17:43,115,796-43,115,797, GG replaced by T on the plus strand (CC replaced by A on the coding strand, the reverse complement: BRCA1 is on the minus strand). VCF-style: chr17-43115796-GG-T. GRCh37 (hg19) VCF-style: chr17-41267813-GG-T.
Other names: c.81-18_81-17delCCinsA (NM_007294.3); c.-61-18_-61-17delinsA (NM_001408458.1, NM_001408470.1, NM_001407848.1 and 47 more transcripts); c.-219+9480_-219+9481delinsA (NM_001407967.1); c.-170+9480_-170+9481delinsA (NM_001407959.1); c.-7-9264_-7-9263delinsA (NM_001407931.1, NM_001407747.1, NM_001408511.1 and 2 more transcripts); c.-223-18_-223-17delinsA (NM_001407962.1, NM_001408512.1, NM_001408510.1 and 1 more transcripts); c.-108-18_-108-17delinsA (NM_001407885.1, NM_001407886.1, NM_001408509.1 and 52 more transcripts); c.-177-18_-177-17delinsA (NM_001407746.1, NM_001408468.1, NM_001407842.1 and 13 more transcripts); and 11 more.
Identifiers: ClinVar variation 421216 (VCV000421216.2), dbSNP rs1064794984, ClinGen allele CA16620448.
Genomic context (GRCh38, chr17:43,115,796, plus strand): 5'-TGTGGTCACACTTTGTGGAGACAGGTTCCTTGATCAACTCCAGACTAGCAGGGTAGGGGG[GG>T]AGAAAAAGAAAATAAATGAGGCTCAATAATTTATTTAAAAATAAAGCTATTCTTAGTGAA-3'

ClinVar aggregate classification (germline): Likely benign (1 of 4 stars; one submission).

Submission:

GeneDx
Classification: Likely benign. Last evaluated: 2016-05-11. Review status: criteria provided, single submitter. Criteria: GeneDx Variant Classification (06012015). Collection method: clinical testing. Allele origin: germline. Affected: yes.
Comment: This variant is considered likely benign or benign based on one or more of the following criteria: it is a conservative change, it occurs at a poorly conserved position in the protein, it is predicted to be benign by multiple in silico algorithms, and/or has population frequency not consistent with disease.